The following is an entry in ClinVar:

ClinVar aggregate classification (germline): Conflicting classifications of pathogenicity. Review status: criteria provided, conflicting classifications (1 of 4 stars). 6 submissions from 6 submitters: Uncertain significance (5); Likely benign (1). Last evaluated 2026-01-31.

Conditions:
Renal cell carcinoma. Identifiers: Orphanet 217071, MedGen C0007134, MeSH D002292, MONDO:0005086, HP:0005584.
MET-related disorder. Also called: MET-related condition.
Autosomal recessive nonsyndromic hearing loss 97. Also called: Deafness, autosomal recessive 97. Identifiers: Orphanet 90636, MedGen C4084709, MONDO:0014739, OMIM 616705.
Hereditary cancer-predisposing syndrome. Also called: Neoplastic Syndromes, Hereditary; Tumor predisposition; Hereditary Cancer Syndrome; Hereditary neoplastic syndrome. Identifiers: Orphanet 140162, MedGen C0027672, MeSH D009386, MONDO:0015356.

Allele frequency attached by ClinVar (database versions not stated): TOPMed 0.00002; ExAC 0.00003; gnomAD exomes 0.00004 and 0.00001; 1000 Genomes Project 30x 0.00016; 1000 Genomes Project 0.00020; gnomAD below 0.00001 and 0.00001.
gnomAD v4.1: 15 of 1,614,166 alleles (0.00093%); highest among the groups gnomAD compares: Admixed American, 0.0067%; no homozygotes.

Submissions (6):

Labcorp Genetics (formerly Invitae), Labcorp
Classification: Uncertain significance for Renal cell carcinoma. Last evaluated: 2026-01-31. Review status: criteria provided, single submitter. Criteria: Invitae Variant Classification Sherloc (09022015). Collection method: clinical testing. Allele origin: germline.
Comment: This sequence change replaces isoleucine, which is neutral and non-polar, with threonine, which is neutral and polar, at codon 491 of the MET protein (p.Ile491Thr). This variant is present in population databases (rs561588772, gnomAD 0.006%). This variant has not been reported in the literature in individuals affected with MET-related conditions. ClinVar contains an entry for this variant (Variation ID: 216500). Invitae Evidence Modeling of protein sequence and biophysical properties (such as structural, functional, and spatial information, amino acid conservation, physicochemical variation, residue mobility, and thermodynamic stability) indicates that this missense variant is not expected to disrupt MET protein function with a negative predictive value of 80%. In summary, the available evidence is currently insufficient to determine the role of this variant in disease. Therefore, it has been classified as a Variant of Uncertain Significance.

Quest Diagnostics Nichols Institute San Juan Capistrano
Classification: Uncertain significance. Last evaluated: 2025-10-17. Review status: criteria provided, single submitter. Criteria: Quest Diagnostics criteria. Collection method: clinical testing. Allele origin: unknown.

PreventionGenetics, part of Exact Sciences
Classification: Uncertain significance for MET-related condition. Last evaluated: 2025-03-14. Review status: criteria provided, single submitter. Criteria: ACMG Guidelines, 2015. Collection method: clinical testing. Allele origin: germline.
Comment: The MET c.1472T>C variant is predicted to result in the amino acid substitution p.Ile491Thr. This variant was reported in an individual with prostate cancer (Table S7, Liang et al. 2022. PubMed ID: 36095024) and as a somatic variant in an individual with hepatocellular carcinoma (Table 2, Ikeda et al. 2018. PubMed ID:29483209) This variant is reported in 0.0085% of alleles in individuals of Latino descent in gnomAD. At this time, the clinical significance of this variant is uncertain due to the absence of conclusive functional and genetic evidence.

GeneDx
Classification: Uncertain significance. Last evaluated: 2024-02-07. Review status: criteria provided, single submitter. Criteria: GeneDx Variant Classification Process June 2021. Collection method: clinical testing. Allele origin: germline. Affected: yes.
Comment: Observed in individuals with breast or pancreatic cancer (PMID: 36095024, 32091409); In silico analysis supports that this missense variant does not alter protein structure/function; This variant is associated with the following publications: (PMID: 36095024, 32091409)

Baylor Genetics
Classification: Uncertain significance for Autosomal recessive nonsyndromic hearing loss 97. Last evaluated: 2023-10-12. Review status: criteria provided, single submitter. Criteria: ACMG Guidelines, 2015. Collection method: clinical testing. Allele origin: unknown.

Ambry Genetics
Classification: Likely benign for Hereditary cancer-predisposing syndrome. Last evaluated: 2023-06-07. Review status: criteria provided, single submitter. Criteria: Ambry Variant Classification Scheme 2023. Collection method: clinical testing. Allele origin: germline.

NM_000245.4(MET):c.1472T>C (p.Ile491Thr)

Gene: MET (MET proto-oncogene, receptor tyrosine kinase; plus strand). Cytogenetic location: 7q31.2.
Variant type: single nucleotide variant.
Coding change: c.1472T>C on transcript NM_000245.4 (MANE Select); coding-DNA position 1472, T replaced by C.
Protein change: p.Ile491Thr; replaces isoleucine 491 with threonine.
Molecular consequence: missense variant.
Genome position (GRCh38, 1-based): chr7:116,740,029, T>C. VCF-style: chr7-116740029-T-C. GRCh37 (hg19) VCF-style: chr7-116380083-T-C.
Other names: c.1472T>C (NM_001127500.2); c.1472T>C, p.Ile491Thr (NM_001127500.3, NM_001324401.3); c.182T>C, p.Ile61Thr (NM_001324402.2); short protein forms I491T, I61T.
Identifiers: ClinVar variation 216500 (VCV000216500.19), dbSNP rs561588772, ClinGen allele CA336316.